The following is an entry in ClinVar:

ClinVar aggregate classification (germline): Likely pathogenic (1 of 4 stars; one submission).

Conditions:
Usher syndrome type 1 (USH1). Also called: RETINITIS PIGMENTOSA AND CONGENITAL DEAFNESS. Identifiers: Orphanet 231169, Orphanet 886, MedGen C1568247, MONDO:0010168, OMIM 276900.

Submission:

Myriad Genetics, Inc.
Classification: Likely pathogenic for Usher syndrome type 1. Last evaluated: 2019-12-23. Review status: criteria provided, single submitter. Criteria: Myriad Women's Health Autosomal Recessive and X-Linked Classification Criteria (2019). Collection method: clinical testing. Allele origin: unknown.
Comment: NM_000260.3(MYO7A):c.4126A>T(K1376*) is expected to be pathogenic in the context of MYO7A-related disorders. This variant is predicted to lead to an abnormal or absent protein product due to the creation of a premature termination codon in MYO7A, a gene where loss-of-function variants are known to be pathogenic. Please note: this variant was assessed in the context of healthy population screening.

NM_000260.4(MYO7A):c.4126A>T (p.Lys1376Ter)

Gene: MYO7A (myosin VIIA; plus strand). Cytogenetic location: 11q13.5.
Variant type: single nucleotide variant.
Coding change: c.4126A>T on transcript NM_000260.4 (MANE Select); coding-DNA position 4126, A replaced by T.
Protein change: p.Lys1376Ter; replaces lysine 1376 with a stop codon.
Molecular consequence: nonsense.
Genome position (GRCh38, 1-based): chr11:77,192,252, A>T. VCF-style: chr11-77192252-A-T. GRCh37 (hg19) VCF-style: chr11-76903297-A-T.
Other names: c.4126A>T, p.Lys1376Ter (NM_001127180.2); c.4093A>T, p.Lys1365Ter (NM_001369365.1); short protein forms K1365*, K1376*.
Identifiers: ClinVar variation 984299 (VCV000984299.3), dbSNP rs1956149175, ClinGen allele CA381948993.